The following is an entry in ClinVar:

NM_000439.5(PCSK1):c.30C>A (p.Cys10Ter)

Genes: CAST (calpastatin; plus strand), PCSK1 (proprotein convertase subtilisin/kexin type 1; minus strand), LOC101929710 (uncharacterized LOC101929710; plus strand). Cytogenetic location: 5q15.
Variant type: single nucleotide variant.
Coding change: c.30C>A on transcript NM_000439.5 (MANE Select); coding-DNA position 30, C replaced by A.
Protein change: p.Cys10Ter; replaces cysteine 10 with a stop codon.
Molecular consequence: nonsense. On other transcripts: intron variant (11).
Genome position (GRCh38, 1-based): chr5:96,433,013, G>T on the plus strand (C>A on the coding strand, the complement: PCSK1 is on the minus strand). VCF-style: chr5-96433013-G-T. GRCh37 (hg19) VCF-style: chr5-95768717-G-T.
Other names: c.-175+53361G>T (NM_001423254.1, NM_001423259.1, NM_001423255.1 and 6 more transcripts); c.-103+53361G>T (NM_001423253.1); c.-40+53361G>T (NM_001423258.1); short protein forms C10*.
Identifiers: ClinVar variation 3345840 (VCV003345840.1).

ClinVar aggregate classification (germline): Likely pathogenic (0 of 4 stars; one submission).

Conditions:
PCSK1-related disorder. Also called: PCSK1-related condition.

Submission:

PreventionGenetics, part of Exact Sciences
Classification: Likely pathogenic for PCSK1-related condition. Last evaluated: 2024-07-05. Review status: no assertion criteria provided. Collection method: clinical testing. Allele origin: germline.
Comment: The PCSK1 c.30C>A variant is predicted to result in premature protein termination (p.Cys10*). To our knowledge, this variant has not been reported in the literature or in a large population database, indicating this variant is rare. Nonsense variants in PCSK1 are expected to be pathogenic. This variant is interpreted as likely pathogenic.